The following is an entry in ClinVar:

NM_000059.4(BRCA2):c.6374_6375insA (p.Cys2126fs)

Gene: BRCA2 (BRCA2 DNA repair associated; plus strand). Cytogenetic location: 13q13.1.
Variant type: Insertion.
Coding change: c.6374_6375insA on transcript NM_000059.4 (MANE Select); coding-DNA positions 6374 to 6375, A inserted.
Protein change: p.Cys2126fs; shifts the reading frame from cysteine 2126.
Molecular consequence: frameshift variant.
Genome position: GRCh38 VCF-style: chr13-32340729-C-CA. GRCh37 (hg19) VCF-style: chr13-32914866-C-CA.
Other names: 6602insA; short protein forms C2126fs.
Identifiers: ClinVar variation 126099 (VCV000126099.3), dbSNP rs80359579, ClinGen allele CA023961.

ClinVar aggregate classification (germline): Pathogenic. Review status: reviewed by expert panel (3 of 4 stars). 4 submissions from 4 submitters: Pathogenic (1). 3 of the submissions do not count toward it. Last evaluated 2016-09-08.

Conditions:
Hereditary breast ovarian cancer syndrome. Also called: Hereditary breast and ovarian cancer; Hereditary breast and/or ovarian cancer syndrome; BRCA1- and BRCA2-Associated Hereditary Breast and Ovarian Cancer; Hereditary breast and ovarian cancer syndrome; Hereditary breast and ovarian cancer syndrome (HBOC); Breast and ovarian cancer. Identifiers: Orphanet 145, MedGen C0677776, MeSH D061325, MONDO:0003582. Disease mechanism: loss of function.
Breast-ovarian cancer, familial, susceptibility to, 2 (BROVCA2). Also called: BRCA2 Hereditary Breast and Ovarian Cancer. Identifiers: Orphanet 145, MedGen C2675520, MONDO:0012933, OMIM 612555. Disease mechanism: loss of function.

Submissions (4):

Evidence-based Network for the Interpretation of Germline Mutant Alleles (ENIGMA)
Classification: Pathogenic for Breast-ovarian cancer, familial, susceptibility to, 2. Last evaluated: 2016-09-08. Review status: reviewed by expert panel. Criteria: ENIGMA BRCA1/2 Classification Criteria (2015). Collection method: curation. Allele origin: germline.
Comment: Variant allele predicted to encode a truncated non-functional protein.

Consortium of Investigators of Modifiers of BRCA1/2 (CIMBA), c/o University of Cambridge
Classification: Pathogenic for Breast-ovarian cancer, familial, susceptibility to, 2. Last evaluated: 2015-10-02. Review status: criteria provided, single submitter. Criteria: CIMBA Mutation Classification guidelines May 2016. Collection method: clinical testing. Allele origin: germline. Not counted in ClinVar's aggregate classification.

Research Molecular Genetics Laboratory, Women's College Hospital, University of Toronto
Classification: Pathogenic for Hereditary breast ovarian cancer syndrome. Last evaluated: 2014-01-31. Review status: no assertion criteria provided. Collection method: research. Allele origin: germline. Affected: yes. Study: The Canadian Open Genetics Repository (COGR). Not counted in ClinVar's aggregate classification.

Breast Cancer Information Core (BIC) (BRCA2)
Classification: Pathogenic for Breast-ovarian cancer, familial 2. Last evaluated: 2002-05-29. Review status: no assertion criteria provided. Collection method: clinical testing. Allele origin: germline. Affected: yes. Observed: 2 variant alleles. Not counted in ClinVar's aggregate classification.